The following is an entry in ClinVar:

NM_000497.4(CYP11B1):c.719dup (p.Met240fs)

Genes: CYP11B1 (cytochrome P450 family 11 subfamily B member 1; minus strand), LOC106799833 (CYP11B1 recombination region; plus strand). Cytogenetic location: 8q24.3.
Variant type: Duplication.
Coding change: c.719dup on transcript NM_000497.4 (MANE Select); coding-DNA position 719, one base duplicated (T; older notation c.719dupT).
Protein change: p.Met240fs; shifts the reading frame from methionine 240.
Molecular consequence: frameshift variant.
Genome position (GRCh38, 1-based): chr8:142,876,762, A duplicated on the plus strand (T on the coding strand, the reverse complement: CYP11B1 is on the minus strand). VCF-style (leftmost placement, unchanged base first): chr8-142876761-C-CA. GRCh37 (hg19) VCF-style: chr8-143958177-C-CA.
Other names: c.719dup, p.Met240fs (NM_001026213.1); short protein forms M240fs.
Identifiers: ClinVar variation 5011952 (VCV005011952.1).
Genomic context (GRCh38, chr8:142,876,761, plus strand): 5'-CCAGGCCTCAAAGTGCTCCTTCCACACCTTGGGGCTGGTCCAGCGAGACAGGCTCCTGGG[C>CA]ATGAACATGAGCTGGACGGTGGATTTGAACATGACCTCCAGGGCATGGAGGAAGTTCAGG-3'

ClinVar aggregate classification (germline): Pathogenic (1 of 4 stars; one submission).

Conditions:
Deficiency of steroid 11-beta-monooxygenase (CYP11B1). Also called: ADRENAL HYPERPLASIA, CONGENITAL, DUE TO STEROID 11-BETA-HYDROXYLASE DEFICIENCY; 11-BETA-HYDROXYLASE DEFICIENCY; ADRENAL HYPERPLASIA IV; P450C11B1 DEFICIENCY; STEROID 11-BETA-HYDROXYLASE DEFICIENCY; Congenital adrenal hyperplasia due to 11-beta-hydroxylase deficiency. Identifiers: Orphanet 90795, MedGen C0268292, MONDO:0008729, OMIM 202010. Disease mechanism: loss of function.

Submission:

Myriad Genetics, Inc.
Classification: Pathogenic for Deficiency of steroid 11-beta-monooxygenase. Last evaluated: 2023-09-27. Review status: criteria provided, single submitter. Criteria: Myriad Autosomal Dominant, Autosomal Recessive and X-Linked Classification Criteria (2023). Collection method: clinical testing. Allele origin: unknown.
Comment: NM_000497.3(CYP11B1):c.719dupT(M240Ifs*19) is expected to be pathogenic in the context of congenital adrenal hyperplasia, CYP11B1-related. This variant is predicted to lead to an abnormal or absent protein product due to the creation of a premature termination codon in CYP11B1, a gene where loss-of-function variants are known to be pathogenic. Please note: this variant was assessed in the context of healthy population screening.